The following is an entry in ClinVar:

ClinVar aggregate classification (germline): Likely benign. Review status: criteria provided, multiple submitters, no conflicts (2 of 4 stars). 2 submissions from 2 submitters: Likely benign (2). Last evaluated 2022-02-27.

Conditions:
Ehlers-Danlos syndrome, classic type, 1 (EDSCL1). Also called: EHLERS-DANLOS SYNDROME, GRAVIS TYPE; EHLERS-DANLOS SYNDROME, SEVERE CLASSIC TYPE; Ehlers-Danlos Syndrome, Classic Type, COL5A1-Related; EDS I; Ehlers-Danlos syndrome, type 1. Identifiers: MedGen C0268335, MONDO:0019567, OMIM 130000.

gnomAD v4.1: 4 of 1,593,828 alleles (0.00025%); highest among the groups gnomAD compares: Non-Finnish European, 0.00034%; no homozygotes.

Submissions (2):

Labcorp Genetics (formerly Invitae), Labcorp
Classification: Likely benign for Ehlers-Danlos syndrome, classic type, 1. Last evaluated: 2022-02-27. Review status: criteria provided, single submitter. Criteria: Invitae Variant Classification Sherloc (09022015). Collection method: clinical testing. Allele origin: germline.

GeneDx
Classification: Likely benign. Last evaluated: 2016-06-16. Review status: criteria provided, single submitter. Criteria: GeneDx Variant Classification (06012015). Collection method: clinical testing. Allele origin: germline. Affected: yes.
Comment: This variant is considered likely benign or benign based on one or more of the following criteria: it is a conservative change, it occurs at a poorly conserved position in the protein, it is predicted to be benign by multiple in silico algorithms, and/or has population frequency not consistent with disease.

NM_000093.5(COL5A1):c.4231-16C>T

Gene: COL5A1 (collagen type V alpha 1 chain; plus strand). Cytogenetic location: 9q34.3.
Variant type: single nucleotide variant.
Coding change: c.4231-16C>T on transcript NM_000093.5 (MANE Select); 16 bases into the intron before coding-DNA position 4231, C replaced by T.
Molecular consequence: intron variant.
Genome position (GRCh38, 1-based): chr9:134,818,640, C>T. VCF-style: chr9-134818640-C-T. GRCh37 (hg19) VCF-style: chr9-137710486-C-T.
Other names: c.4231-16C>T (NM_001278074.1).
Identifiers: ClinVar variation 387050 (VCV000387050.6), dbSNP rs1057522679, ClinGen allele CA16605430.